The following is an entry in ClinVar:

NM_000535.7(PMS2):c.1345C>G (p.Gln449Glu)

Gene: PMS2 (PMS1 homolog 2, mismatch repair system component; minus strand). Cytogenetic location: 7p22.1.
Variant type: single nucleotide variant.
Coding change: c.1345C>G on transcript NM_000535.7 (MANE Select); coding-DNA position 1345, C replaced by G.
Protein change: p.Gln449Glu; replaces glutamine 449 with glutamic acid.
Molecular consequence: missense variant. On other transcripts: non-coding transcript variant (1).
Genome position (GRCh38, 1-based): chr7:5,987,420, G>C on the plus strand (C>G on the coding strand, the complement: PMS2 is on the minus strand). VCF-style: chr7-5987420-G-C. GRCh37 (hg19) VCF-style: chr7-6027051-G-C.
Other names: c.1345C>G (NM_000535.6); c.940C>G, p.Gln314Glu (NM_001322003.2, NM_001322004.2, NM_001322005.2 and 1 more transcripts); c.1189C>G, p.Gln397Glu (NM_001322006.2); c.1027C>G, p.Gln343Glu (NM_001322007.2, NM_001322008.2); c.784C>G, p.Gln262Glu (NM_001322010.2); c.412C>G, p.Gln138Glu (NM_001322011.2, NM_001322012.2); c.772C>G, p.Gln258Glu (NM_001322013.2); c.1345C>G, p.Gln449Glu (NM_001322014.2); and 1 more; short protein forms Q449E, Q138E, Q258E, Q314E, Q346E, Q397E, Q262E, Q343E.
Identifiers: ClinVar variation 234851 (VCV000234851.18), dbSNP rs876661256, ClinGen allele CA10577342.

ClinVar aggregate classification (germline): Conflicting classifications of pathogenicity. Review status: criteria provided, conflicting classifications (1 of 4 stars). 4 submissions from 4 submitters: Uncertain significance (3); Likely benign (1). Last evaluated 2026-01-06.

Conditions:
Hereditary nonpolyposis colorectal neoplasms. Identifiers: MedGen C0009405, MeSH D003123.
PMS2-related disorder. Also called: PMS2-related condition.
Hereditary cancer-predisposing syndrome. Also called: Hereditary neoplastic syndrome; Hereditary Cancer Syndrome; Neoplastic Syndromes, Hereditary; Tumor predisposition. Identifiers: Orphanet 140162, MedGen C0027672, MeSH D009386, MONDO:0015356.

Allele frequency attached by ClinVar (database versions not stated): gnomAD exomes below 0.00001; gnomAD 0.00001.
gnomAD v4.1: 2 of 1,614,014 alleles (0.00012%); highest among the groups gnomAD compares: Non-Finnish European, 0.00017%; no homozygotes.

Submissions (4):

Labcorp Genetics (formerly Invitae), Labcorp
Classification: Uncertain significance for Hereditary nonpolyposis colorectal neoplasms. Last evaluated: 2026-01-06. Review status: criteria provided, single submitter. Criteria: Invitae Variant Classification Sherloc (09022015). Collection method: clinical testing. Allele origin: germline.
Comment: This sequence change replaces glutamine, which is neutral and polar, with glutamic acid, which is acidic and polar, at codon 449 of the PMS2 protein (p.Gln449Glu). This variant is not present in population databases (gnomAD no frequency). This variant has not been reported in the literature in individuals affected with PMS2-related conditions. ClinVar contains an entry for this variant (Variation ID: 234851). Invitae Evidence Modeling incorporating data from in vitro experimental studies (internal data) indicates that this missense variant is not expected to disrupt PMS2 function with a negative predictive value of 95%. In summary, the available evidence is currently insufficient to determine the role of this variant in disease. Therefore, it has been classified as a Variant of Uncertain Significance.

Ambry Genetics
Classification: Likely benign for Hereditary cancer-predisposing syndrome. Last evaluated: 2025-07-29. Review status: criteria provided, single submitter. Criteria: Ambry Variant Classification Scheme 2023. Collection method: clinical testing. Allele origin: germline.

PreventionGenetics, part of Exact Sciences
Classification: Uncertain significance for PMS2-related condition. Last evaluated: 2023-09-08. Review status: criteria provided, single submitter. Criteria: ACMG Guidelines, 2015. Collection method: clinical testing. Allele origin: germline.
Comment: The PMS2 c.1345C>G variant is predicted to result in the amino acid substitution p.Gln449Glu. To our knowledge, this variant has not been reported in the literature or in a large population database, indicating this variant is rare. It is interpreted as uncertain significance in ClinVar. At this time, the clinical significance of this variant is uncertain due to the absence of conclusive functional and genetic evidence.

GeneDx
Classification: Uncertain significance. Last evaluated: 2016-02-19. Review status: criteria provided, single submitter. Criteria: GeneDx Variant Classification (06012015). Collection method: clinical testing. Allele origin: germline. Affected: yes.
Comment: This variant is denoted PMS2 c.1345C>G at the cDNA level, p.Gln449Glu (Q449E) at the protein level, and results in the change of a Glutamine to a Glutamic Acid (CAG>GAG). This variant has not, to our knowledge, been published in the literature as pathogenic or benign. PMS2 Gln449Glu was not observed in approximately 6,500 individuals of European and African American ancestry in the NHLBI Exome Sequencing Project, suggesting it is not a common benign variant in these populations. Since Glutamine and Glutamic Acid differ in some properties, this is considered a semi-conservative amino acid substitution. PMS2 Gln449Glu occurs at a position that is not conserved and is not located in a known functional domain (Fukui 2011, UniProt). In silico analyses predict that this variant is unlikely to alter protein structure or function. Based on currently available evidence, it is unclear whether PMS2 Gln449Glu is a pathogenic or benign variant. We consider it to be a variant of uncertain significance.